The following is an entry in ClinVar:

NM_001195248.2(APTX):c.771-20dup

Gene: APTX (aprataxin; minus strand). Cytogenetic location: 9p21.1.
Variant type: Duplication.
Coding change: c.771-20dup on transcript NM_001195248.2 (MANE Select); 20 bases into the intron before coding-DNA position 771, one base duplicated (T; older notation c.771-20dupT).
Molecular consequence: intron variant.
Genome position (GRCh38, 1-based): chr9:32,974,573, A duplicated on the plus strand (T on the coding strand, the reverse complement: APTX is on the minus strand); the first of 9 consecutive A bases (chr9:32,974,573-32,974,581); duplicating any one gives the same sequence. VCF-style (leftmost placement, unchanged base first): chr9-32974572-G-GA. GRCh37 (hg19) VCF-style: chr9-32974570-G-GA.
Other names: c.771-12dupT (NM_175073.2); c.609-12dup (NM_001369001.1, NM_001369000.1, NM_001195250.2 and 1 more transcripts); c.771-12dup (NM_001368996.1, NM_001368995.1, NM_001368997.1 and 7 more transcripts); c.507-12dup (NM_001369002.1, NM_001369003.1, NM_001369004.1 and 5 more transcripts); c.555-12dup (NM_001195252.2).
Identifiers: ClinVar variation 214123 (VCV000214123.58), dbSNP rs34600530, ClinGen allele CA323907.

ClinVar aggregate classification (germline): Benign/Likely benign. Review status: criteria provided, multiple submitters, no conflicts (2 of 4 stars). 8 submissions from 8 submitters: Benign (5); Likely benign (1). 2 of the submissions do not count toward it. Last evaluated 2026-02-03.

Conditions:
Ataxia, early-onset, with oculomotor apraxia and hypoalbuminemia (EAOH). Also called: Ataxia-oculomotor apraxia type 1; ATAXIA-OCULOMOTOR APRAXIA SYNDROME; ATAXIA-TELANGIECTASIA-LIKE SYNDROME. Identifiers: Orphanet 1168, MedGen C1859598, MONDO:0008842, OMIM 208920.

Submissions (8):

Labcorp Genetics (formerly Invitae), Labcorp
Classification: Benign. Last evaluated: 2026-02-03. Review status: criteria provided, single submitter. Criteria: Invitae Variant Classification Sherloc (09022015). Collection method: clinical testing. Allele origin: germline.

Blueprint Genetics
Classification: Likely benign. Last evaluated: 2024-11-27. Review status: criteria provided, single submitter. Criteria: ACMG Guidelines, 2015. Collection method: clinical testing. Allele origin: germline.

Unidad de Genómica Garrahan, Hospital de Pediatría Garrahan
Classification: Benign. Last evaluated: 2024-07-31. Review status: criteria provided, single submitter. Criteria: ACMG Guidelines, 2015. Collection method: clinical testing. Allele origin: germline. Affected: no. Observed: 79 variant alleles.
Comment: This variant is classified as Benign based on local population frequency. This variant was detected in 85% of patients studied in a panel designed for Epileptic and Developmental Encephalopathy, Progressive Myoclonus Epilepsy and Abnormal Movements and Neurodegeneration with brain iron accumulation. Number of patients: 79. Only high quality variants are reported.

Genome-Nilou Lab
Classification: Benign for Ataxia, early-onset, with oculomotor apraxia and hypoalbuminemia. Last evaluated: 2021-07-14. Review status: criteria provided, single submitter. Criteria: ACMG Guidelines, 2015. Collection method: clinical testing. Allele origin: germline. Affected: no.

GeneDx
Classification: Benign. Last evaluated: 2018-06-11. Review status: criteria provided, single submitter. Criteria: GeneDx Variant Classification Process June 2021. Collection method: clinical testing. Allele origin: germline. Affected: yes.

Laboratory for Molecular Medicine, Mass General Brigham Personalized Medicine
Classification: Benign. Last evaluated: 2016-03-29. Review status: criteria provided, single submitter. Criteria: LMM Criteria. Collection method: clinical testing. Allele origin: germline. Observed: 1 variant allele.
Comment: Disclaimer: This variant has not undergone full assessment. The following are pr eliminary notes: Frequency

Clinical Genetics DNA and cytogenetics Diagnostics Lab, Erasmus MC, Erasmus Medical Center
Classification: Benign. Review status: no assertion criteria provided. Collection method: clinical testing. Allele origin: germline. Affected: yes. Study: VKGL Data-share Consensus. Not counted in ClinVar's aggregate classification.

Genome Diagnostics Laboratory, University Medical Center Utrecht
Classification: Benign. Review status: no assertion criteria provided. Collection method: clinical testing. Allele origin: germline. Affected: yes. Study: VKGL Data-share Consensus. Not counted in ClinVar's aggregate classification.